The following is an entry in ClinVar:

NM_024675.4(PALB2):c.2692T>C (p.Trp898Arg)

Gene: PALB2 (partner and localizer of BRCA2; minus strand). Cytogenetic location: 16p12.2.
Variant type: single nucleotide variant.
Coding change: c.2692T>C on transcript NM_024675.4 (MANE Select); coding-DNA position 2692, T replaced by C.
Protein change: p.Trp898Arg; replaces tryptophan 898 with arginine.
Molecular consequence: missense variant.
Genome position (GRCh38, 1-based): chr16:23,626,292, A>G on the plus strand (T>C on the coding strand, the complement: PALB2 is on the minus strand). VCF-style: chr16-23626292-A-G. GRCh37 (hg19) VCF-style: chr16-23637613-A-G.
Other names: short protein forms W898R.
Identifiers: ClinVar variation 662356 (VCV000662356.17), dbSNP rs776016200, ClinGen allele CA7963506.

ClinVar aggregate classification (germline): Uncertain significance. Review status: criteria provided, multiple submitters, no conflicts (2 of 4 stars). 2 submissions from 2 submitters: Uncertain significance (2). Last evaluated 2024-09-18.

Conditions:
Hereditary cancer-predisposing syndrome. Also called: Neoplastic Syndromes, Hereditary; Tumor predisposition; Hereditary neoplastic syndrome; Hereditary Cancer Syndrome. Identifiers: Orphanet 140162, MedGen C0027672, MeSH D009386, MONDO:0015356.
Familial cancer of breast. Also called: BREAST CANCER, FAMILIAL; hereditary breast carcinoma; Hereditary breast cancer. Identifiers: Orphanet 227535, MedGen C0346153, MONDO:0016419, OMIM 114480. Disease mechanism: loss of function.

Allele frequency attached by ClinVar (database versions not stated): gnomAD exomes below 0.00001; ExAC 0.00001.
gnomAD v4.1: 1 of 1,614,168 alleles (0.000062%); highest among the groups gnomAD compares: South Asian, 0.0011%; no homozygotes.

Submissions (2):

Ambry Genetics
Classification: Uncertain significance for Hereditary cancer-predisposing syndrome. Last evaluated: 2024-09-18. Review status: criteria provided, single submitter. Criteria: Ambry Variant Classification Scheme 2023. Collection method: clinical testing. Allele origin: germline.
Comment: The p.W898R variant (also known as c.2692T>C), located in coding exon 7 of the PALB2 gene, results from a T to C substitution at nucleotide position 2692. The tryptophan at codon 898 is replaced by arginine, an amino acid with dissimilar properties. This amino acid position is highly conserved in available vertebrate species. In addition, this alteration is predicted to be deleterious by in silico analysis. Based on the available evidence, the clinical significance of this variant remains unclear.

Labcorp Genetics (formerly Invitae), Labcorp
Classification: Uncertain significance for Familial cancer of breast. Last evaluated: 2022-10-31. Review status: criteria provided, single submitter. Criteria: Invitae Variant Classification Sherloc (09022015). Collection method: clinical testing. Allele origin: germline.
Comment: This sequence change replaces tryptophan, which is neutral and slightly polar, with arginine, which is basic and polar, at codon 898 of the PALB2 protein (p.Trp898Arg). This variant is present in population databases (rs776016200, gnomAD 0.003%). This variant has not been reported in the literature in individuals affected with PALB2-related conditions. ClinVar contains an entry for this variant (Variation ID: 662356). Advanced modeling of protein sequence and biophysical properties (such as structural, functional, and spatial information, amino acid conservation, physicochemical variation, residue mobility, and thermodynamic stability) performed at Invitae indicates that this missense variant is expected to disrupt PALB2 protein function. Algorithms developed to predict the effect of sequence changes on RNA splicing suggest that this variant may create or strengthen a splice site. In summary, the available evidence is currently insufficient to determine the role of this variant in disease. Therefore, it has been classified as a Variant of Uncertain Significance.

Literature cited by the submitters: PubMed 36175305 (cited by Ambry Genetics).